The following is an entry in ClinVar:

ClinVar aggregate classification (germline): Likely benign. Review status: criteria provided, multiple submitters, no conflicts (2 of 4 stars). 6 submissions from 6 submitters: Likely benign (5). 1 of the submissions does not count toward it. Last evaluated 2026-07-01.

Conditions:
TUBG1-related disorder. Also called: TUBG1-related condition.

Allele frequency attached by ClinVar (database versions not stated): 1000 Genomes Project 0.00040; 1000 Genomes Project 30x 0.00047; TOPMed 0.00084; gnomAD 0.00092 and 0.00100; ESP Exome Variant Server 0.00108; gnomAD exomes 0.00116; ExAC 0.00136.

Submissions (6):

CeGaT Center for Human Genetics Tuebingen
Classification: Likely benign. Last evaluated: 2026-07-01. Review status: criteria provided, single submitter. Criteria: CeGaT Center For Human Genetics Tuebingen Variant Classification Criteria Version 2. Collection method: clinical testing. Allele origin: germline. Affected: yes. Observed: 4 variant alleles.
Comment: TUBG1: PP2, PP3, BS1

Labcorp Genetics (formerly Invitae), Labcorp
Classification: Likely benign. Last evaluated: 2025-10-26. Review status: criteria provided, single submitter. Criteria: Invitae Variant Classification Sherloc (09022015). Collection method: clinical testing. Allele origin: germline.

Blueprint Genetics
Classification: Likely benign. Last evaluated: 2024-11-15. Review status: criteria provided, single submitter. Criteria: ACMG Guidelines, 2015. Collection method: clinical testing. Allele origin: germline.

Genetic Services Laboratory, University of Chicago
Classification: Likely benign. Last evaluated: 2018-11-20. Review status: criteria provided, single submitter. Criteria: ACMG Guidelines, 2015. Collection method: clinical testing. Allele origin: germline. Affected: no.

GeneDx
Classification: Likely benign. Last evaluated: 2016-10-05. Review status: criteria provided, single submitter. Criteria: GeneDx Variant Classification (06012015). Collection method: clinical testing. Allele origin: germline. Affected: yes.
Comment: This variant is considered likely benign or benign based on one or more of the following criteria: it is a conservative change, it occurs at a poorly conserved position in the protein, it is predicted to be benign by multiple in silico algorithms, and/or has population frequency not consistent with disease.

PreventionGenetics, part of Exact Sciences
Classification: Likely benign for TUBG1-related condition. Last evaluated: 2021-10-07. Review status: no assertion criteria provided. Collection method: clinical testing. Allele origin: germline. Not counted in ClinVar's aggregate classification.
Comment: This variant is classified as likely benign based on ACMG/AMP sequence variant interpretation guidelines (Richards et al. 2015 PMID: 25741868, with internal and published modifications).

NM_001070.5(TUBG1):c.1318C>T (p.Arg440Trp)

Gene: TUBG1 (tubulin gamma 1; plus strand). Cytogenetic location: 17q21.2.
Variant type: single nucleotide variant.
Coding change: c.1318C>T on transcript NM_001070.5 (MANE Select); coding-DNA position 1318, C replaced by T.
Protein change: p.Arg440Trp; replaces arginine 440 with tryptophan.
Molecular consequence: missense variant.
Genome position (GRCh38, 1-based): chr17:42,615,003, C>T. VCF-style: chr17-42615003-C-T. GRCh37 (hg19) VCF-style: chr17-40767021-C-T.
Other names: short protein forms R440W.
Identifiers: ClinVar variation 389498 (VCV000389498.40), dbSNP rs144903375, ClinGen allele CA8580105.